The following is an entry in ClinVar:

NM_000392.5(ABCC2):c.557A>G (p.Glu186Gly)

Gene: ABCC2 (ATP binding cassette subfamily C member 2; plus strand). Cytogenetic location: 10q24.2.
Variant type: single nucleotide variant.
Coding change: c.557A>G on transcript NM_000392.5 (MANE Select); coding-DNA position 557, A replaced by G.
Protein change: p.Glu186Gly; replaces glutamic acid 186 with glycine.
Molecular consequence: missense variant.
Genome position (GRCh38, 1-based): chr10:99,793,980, A>G. VCF-style: chr10-99793980-A-G. GRCh37 (hg19) VCF-style: chr10-101553737-A-G.
Other names: short protein forms E186G.
Identifiers: ClinVar variation 4752983 (VCV004752983.1).

ClinVar aggregate classification (germline): Uncertain significance (1 of 4 stars; one submission).

gnomAD v4.1: 21 of 1,610,284 alleles (0.0013%); highest among the groups gnomAD compares: African/African-American, 0.028%; no homozygotes.

Submission:

Labcorp Genetics (formerly Invitae), Labcorp
Classification: Uncertain significance. Last evaluated: 2026-01-01. Review status: criteria provided, single submitter. Criteria: Invitae Variant Classification Sherloc (09022015). Collection method: clinical testing. Allele origin: germline.
Comment: This sequence change replaces glutamic acid, which is acidic and polar, with glycine, which is neutral and non-polar, at codon 186 of the ABCC2 protein (p.Glu186Gly). This variant is present in population databases (rs149688690, gnomAD 0.03%). This variant has not been reported in the literature in individuals affected with ABCC2-related conditions. An algorithm developed to predict the effect of missense changes on protein structure and function (PolyPhen-2) suggests that this variant is likely to be tolerated. In summary, the available evidence is currently insufficient to determine the role of this variant in disease. Therefore, it has been classified as a Variant of Uncertain Significance.